The following is an entry in ClinVar:

ClinVar aggregate classification (germline): Benign (1 of 4 stars; one submission).

Conditions:
Leigh syndrome (NULS). Also called: Leigh's necrotizing encephalopathy; Leigh's disease; Leigh Syndrome (mtDNA deletion); Leigh Disease; Subacute necrotizing encephalopathy; Necrotizing encephalopathy infantile subacute of Leigh. Identifiers: Orphanet 506, MedGen C2931891, MONDO:0009723, OMIM 256000.

Submission:

Wong Mito Lab, Molecular and Human Genetics, Baylor College of Medicine
Classification: Benign for Leigh syndrome. Last evaluated: 2019-10-17. Review status: criteria provided, single submitter. Criteria: Modified ACMG Guidelines (Unpublished). Collection method: clinical testing. Allele origin: germline.
Comment: The NC_012920.1:m.12904A>G (YP_003024036.1:p.Ile190Val) variant in MTND5 gene is interpretated to be a Benign variant based on the modified ACMG guidelines (unpublished). This variant meets the following evidence codes: BS1, BS2, BP4

NC_012920.1(MT-ND5):m.12904A>G

Gene: MT-ND5 (mitochondrially encoded NADH dehydrogenase 5; plus strand).
Variant type: single nucleotide variant.
Genome position: chrM-12904-A-G.
Identifiers: ClinVar variation 693497 (VCV000693497.1), dbSNP rs386829168, ClinGen allele CA414815418.